The following is an entry in ClinVar:

ClinVar aggregate classification (germline): Conflicting classifications of pathogenicity. Review status: criteria provided, conflicting classifications (1 of 4 stars). 5 submissions from 5 submitters: Pathogenic (2); Likely pathogenic (1); Uncertain significance (2). Last evaluated 2023-08-29.

Conditions:
Deficiency of UDPglucose-hexose-1-phosphate uridylyltransferase. Also called: GALT deficiency; Galactosemia, classic; Transferase Deficiency Galactosemia; GALACTOSEMIA I; GALACTOSE-1-PHOSPHATE URIDYLYLTRANSFERASE DEFICIENCY. Identifiers: Orphanet 352, Orphanet 79239, MedGen C0268151, MONDO:0009258, OMIM 230400.

Allele frequency attached by ClinVar (database versions not stated): gnomAD exomes below 0.00001 and 0.00003; TOPMed below 0.00001; gnomAD 0.00001.

Submissions (5):

Women's Health and Genetics/Laboratory Corporation of America, LabCorp
Classification: Uncertain significance. Last evaluated: 2023-08-29. Review status: criteria provided, single submitter. Criteria: LabCorp Variant Classification Summary - May 2015. Collection method: clinical testing. Allele origin: germline.
Comment: Variant summary: GALT c.265T>G (p.Tyr89Asp) results in a non-conservative amino acid change located in the Galactose-1-phosphate uridyl transferase, N-terminal (IPR005849) of the encoded protein sequence. Five of five in-silico tools predict a damaging effect of the variant on protein function. The variant allele was found at a frequency of 4e-06 in 251492 control chromosomes (gnomAD). The available data on variant occurrences in the general population are insufficient to allow any conclusion about variant significance. To our knowledge, no occurrence of c.265T>G in individuals affected with Galactosemia and no experimental evidence demonstrating its impact on protein function have been reported. Two submitters have cited clinical-significance assessments for this variant to ClinVar after 2014. Both submitters classified the variant as pathogenic. Based on the evidence outlined above, the variant was classified as uncertain significance.

Revvity Omics, Revvity
Classification: Uncertain significance for Deficiency of UDPglucose-hexose-1-phosphate uridylyltransferase. Last evaluated: 2023-02-03. Review status: criteria provided, single submitter. Criteria: ACMG Guidelines, 2015. Collection method: clinical testing. Allele origin: germline.

Mayo Clinic Laboratories, Mayo Clinic
Classification: Likely pathogenic. Last evaluated: 2022-12-06. Review status: criteria provided, single submitter. Criteria: ACMG Guidelines, 2015. Collection method: clinical testing. Allele origin: germline. Observed: 2 variant alleles.
Comment: PP3, PP4, PM2, PS4_moderate

Eurofins Ntd Llc (ga)
Classification: Pathogenic. Last evaluated: 2017-11-28. Review status: criteria provided, single submitter. Criteria: EGL Classification Definitions 2015. Collection method: clinical testing. Allele origin: germline. Observed: 4 variant alleles, 4 heterozygotes.

GeneDx
Classification: Pathogenic. Last evaluated: 2015-08-26. Review status: criteria provided, single submitter. Criteria: GeneDx Variant Classification (06012015). Collection method: clinical testing. Allele origin: germline. Affected: yes.
Comment: The Y89D variant is a non-conservative amino acid substitution, which is likely to impact secondary protein structure as these residues differ in polarity, charge, size and/or other properties. This substitution occurs at a position that is conserved across species. In silico analysis predicts this variant is probably damaging to the protein structure/function. Missense variants in nearby residues (Y89H, N86D and F95L) have been reported in the Human Gene Mutation Database in association with galactosemia (Stenson et al., 2014), supporting the functional importance of this region of the protein. Therefore, we interpret Y89D to be a pathogenic variant.

Literature cited by the submitters: PubMed 27005423 (cited by Mayo Clinic Laboratories, Mayo Clinic); PubMed 35134457 (cited by Mayo Clinic Laboratories, Mayo Clinic); PubMed 35677809 (cited by Mayo Clinic Laboratories, Mayo Clinic).

NM_000155.4(GALT):c.265T>G (p.Tyr89Asp)

Gene: GALT (galactose-1-phosphate uridylyltransferase; plus strand). Cytogenetic location: 9p13.3.
Variant type: single nucleotide variant.
Coding change: c.265T>G on transcript NM_000155.4 (MANE Select); coding-DNA position 265, T replaced by G.
Protein change: p.Tyr89Asp; replaces tyrosine 89 with aspartic acid.
Molecular consequence: missense variant. On other transcripts: intron variant (1).
Genome position (GRCh38, 1-based): chr9:34,647,504, T>G. VCF-style: chr9-34647504-T-G. GRCh37 (hg19) VCF-style: chr9-34647501-T-G.
Other names: p.Tyr89Asp; c.50+246T>G (NM_001258332.2); c.265T>G (NM_000155.3).
Identifiers: ClinVar variation 25143 (VCV000025143.11), dbSNP rs111033666, ClinGen allele CA259350.